The following is an entry in ClinVar:

NM_000059.4(BRCA2):c.6743_6755del (p.His2248fs)

Gene: BRCA2 (BRCA2 DNA repair associated; plus strand). Cytogenetic location: 13q13.1.
Variant type: Deletion.
Coding change: c.6743_6755del on transcript NM_000059.4 (MANE Select); coding-DNA positions 6743 to 6755, 13 bases deleted (ATGCCACACATTC).
Protein change: p.His2248fs; shifts the reading frame from histidine 2248.
Molecular consequence: frameshift variant.
Genome position (GRCh38, 1-based): chr13:32,341,098-32,341,110, ATGCCACACATTC deleted; deleting any 13 consecutive bases within chr13:32,341,096-32,341,110 gives the same sequence; the c. name uses the placement nearest the transcript's 3' end. VCF-style (leftmost placement, unchanged base first): chr13-32341095-GTCATGCCACACAT-G. GRCh37 (hg19) VCF-style: chr13-32915232-GTCATGCCACACAT-G.
Other names: 6971del13; 6971_6983delATGCCACACATTC; c.6743_6755delATGCCACACATTC (NM_000059.3).
Identifiers: ClinVar variation 52175 (VCV000052175.5), dbSNP rs80359622, ClinGen allele CA024365.
Genomic context (GRCh38, chr13:32,341,095, plus strand): 5'-CAGTAGAAATTGCTAAAGCTTTTATGGAAGATGATGAACTGACAGATTCTAAACTGCCAA[GTCATGCCACACAT>G]TCTCTTTTTACATGTCCCGAAAATGAGGAAATGGTTTTGTCAAATTCAAGAATTGGAAAA-3'

ClinVar aggregate classification (germline): Pathogenic. Review status: reviewed by expert panel (3 of 4 stars). 3 submissions from 3 submitters: Pathogenic (1). 2 of the submissions do not count toward it. Last evaluated 2016-04-22.

Conditions:
Breast-ovarian cancer, familial, susceptibility to, 2 (BROVCA2). Also called: BRCA2 Hereditary Breast and Ovarian Cancer. Identifiers: Orphanet 145, MedGen C2675520, MONDO:0012933, OMIM 612555. Disease mechanism: loss of function.

Submissions (3):

Evidence-based Network for the Interpretation of Germline Mutant Alleles (ENIGMA)
Classification: Pathogenic for Breast-ovarian cancer, familial, susceptibility to, 2. Last evaluated: 2016-04-22. Review status: reviewed by expert panel. Criteria: ENIGMA BRCA1/2 Classification Criteria (2015). Collection method: curation. Allele origin: germline.
Comment: Variant allele predicted to encode a truncated non-functional protein.

Consortium of Investigators of Modifiers of BRCA1/2 (CIMBA), c/o University of Cambridge
Classification: Pathogenic for Breast-ovarian cancer, familial, susceptibility to, 2. Last evaluated: 2015-10-02. Review status: criteria provided, single submitter. Criteria: CIMBA Mutation Classification guidelines May 2016. Collection method: clinical testing. Allele origin: germline. Not counted in ClinVar's aggregate classification.

Breast Cancer Information Core (BIC) (BRCA2)
Classification: Pathogenic for Breast-ovarian cancer, familial 2. Last evaluated: 2003-12-23. Review status: no assertion criteria provided. Collection method: clinical testing. Allele origin: germline. Affected: yes. Observed: 1 variant allele. Not counted in ClinVar's aggregate classification.